The following is an entry in ClinVar:

NM_020779.4(WDR35):c.3279G>C (p.Gln1093His)

Gene: WDR35 (WD repeat domain 35; minus strand). Cytogenetic location: 2p24.1.
Variant type: single nucleotide variant.
Coding change: c.3279G>C on transcript NM_020779.4 (MANE Select); coding-DNA position 3279, G replaced by C.
Protein change: p.Gln1093His; replaces glutamine 1093 with histidine.
Molecular consequence: missense variant.
Genome position (GRCh38, 1-based): chr2:19,914,120, C>G on the plus strand (G>C on the coding strand, the complement: WDR35 is on the minus strand). VCF-style: chr2-19914120-C-G. GRCh37 (hg19) VCF-style: chr2-20113881-C-G.
Other names: c.3312G>C, p.Gln1104His (NM_001006657.2); short protein forms Q1104H, Q1093H.
Identifiers: ClinVar variation 333369 (VCV000333369.26), dbSNP rs148436608, ClinGen allele CA1542706.

ClinVar aggregate classification (germline): Conflicting classifications of pathogenicity. Review status: criteria provided, conflicting classifications (1 of 4 stars). 8 submissions from 7 submitters: Uncertain significance (2); Benign (2); Likely benign (3). 1 of the submissions does not count toward it. Last evaluated 2026-07-01.

Conditions:
Connective tissue disorder. Also called: Connective tissue disease. Identifiers: MedGen C0009782, MONDO:0003900.
Short-rib thoracic dysplasia 7 with or without polydactyly (SRTD7). Also called: SHORT-RIB THORACIC DYSPLASIA 7 WITH POLYDACTYLY; Short rib polydactyly syndrome 5. Identifiers: Orphanet 498497, Orphanet 93271, MedGen C3279792, MONDO:0013569, OMIM 614091.
Cranioectodermal dysplasia 2 (CED2). Identifiers: Orphanet 1515, MedGen C3150874, MONDO:0013323, OMIM 613610.
WDR35-related disorder. Also called: WDR35-related condition; WDR35-related disorders. Identifiers: MedGen CN239419.

Allele frequency attached by ClinVar (database versions not stated): TOPMed 0.00039; 1000 Genomes Project 30x 0.00047; 1000 Genomes Project 0.00060; ESP Exome Variant Server 0.00108; gnomAD 0.00155 and 0.00161.
gnomAD v4.1: 1,860 of 1,614,116 alleles (0.12%); highest among the groups gnomAD compares: Non-Finnish European, 0.065%; 9 homozygotes.

Submissions (8):

CeGaT Center for Human Genetics Tuebingen
Classification: Likely benign. Last evaluated: 2026-07-01. Review status: criteria provided, single submitter. Criteria: CeGaT Center For Human Genetics Tuebingen Variant Classification Criteria Version 2. Collection method: clinical testing. Allele origin: germline. Affected: yes. Observed: 1 variant allele.
Comment: WDR35: BP4

Labcorp Genetics (formerly Invitae), Labcorp
Classification: Benign for Cranioectodermal dysplasia 2; Short-rib thoracic dysplasia 7 with or without polydactyly. Last evaluated: 2026-01-26. Review status: criteria provided, single submitter. Criteria: Invitae Variant Classification Sherloc (09022015). Collection method: clinical testing. Allele origin: germline.

Blueprint Genetics
Classification: Likely benign. Last evaluated: 2024-11-20. Review status: criteria provided, single submitter. Criteria: ACMG Guidelines, 2015. Collection method: clinical testing. Allele origin: germline.

GeneDx
Classification: Likely benign. Last evaluated: 2024-07-30. Review status: criteria provided, single submitter. Criteria: GeneDx Variant Classification Process June 2021. Collection method: clinical testing. Allele origin: germline. Affected: yes.
Comment: See Variant Classification Assertion Criteria.

Genome Diagnostics Laboratory, The Hospital for Sick Children
Classification: Benign for Connective tissue disorder. Last evaluated: 2020-01-01. Review status: criteria provided, single submitter. Criteria: ACMG Guidelines, 2015. Collection method: clinical testing. Allele origin: germline.

Illumina Laboratory Services, Illumina
Classification: Uncertain significance for Cranioectodermal dysplasia 2. Last evaluated: 2018-01-13. Review status: criteria provided, single submitter. Criteria: ICSL Variant Classification Criteria 13 December 2019. Collection method: clinical testing. Allele origin: germline.

Illumina Laboratory Services, Illumina
Classification: Uncertain significance for Short-rib thoracic dysplasia 7 with or without polydactyly. Last evaluated: 2018-01-13. Review status: criteria provided, single submitter. Criteria: ICSL Variant Classification Criteria 13 December 2019. Collection method: clinical testing. Allele origin: germline.

PreventionGenetics, part of Exact Sciences
Classification: Benign for WDR35-related condition. Last evaluated: 2019-08-28. Review status: no assertion criteria provided. Collection method: clinical testing. Allele origin: germline. Not counted in ClinVar's aggregate classification.
Comment: This variant is classified as benign based on ACMG/AMP sequence variant interpretation guidelines (Richards et al. 2015 PMID: 25741868, with internal and published modifications).